The following is an entry in ClinVar:

ClinVar aggregate classification (germline): Likely pathogenic. Review status: criteria provided, multiple submitters, no conflicts (2 of 4 stars). 2 submissions from 2 submitters: Likely pathogenic (2). Last evaluated 2025-01-13.

Conditions:
Cardiovascular phenotype. Identifiers: MedGen CN230736.
Dilated cardiomyopathy 1G (CMD1G). Identifiers: Orphanet 154, MedGen C1858763, MONDO:0011400, OMIM 604145.
Autosomal recessive limb-girdle muscular dystrophy type 2J (LGMDR10). Also called: Limb-girdle muscular dystrophy, type 2J; MUSCULAR DYSTROPHY, LIMB-GIRDLE, AUTOSOMAL RECESSIVE 10. Identifiers: Orphanet 140922, MedGen C1837342, MONDO:0012127, OMIM 608807.

Submissions (2):

Ambry Genetics
Classification: Likely pathogenic for Cardiovascular phenotype. Last evaluated: 2025-01-13. Review status: criteria provided, single submitter. Criteria: Ambry Variant Classification Scheme 2023. Collection method: clinical testing. Allele origin: germline.
Comment: The p.W24413* variant (also known as c.73238G>A), located in coding exon 184 of the TTN gene, results from a G to A substitution at nucleotide position 73238. This changes the amino acid from a tryptophan to a stop codon within coding exon 184. This exon is located in the A-band region of the N2-B isoform of the titin protein and is constitutively expressed in TTN transcripts (percent spliced in or PSI 100%). This alteration is expected to result in loss of function by premature protein truncation or nonsense-mediated mRNA decay. While truncating variants in TTN are present in 1-3% of the general population, truncating variants in the A-band are the most common cause of dilated cardiomyopathy (DCM) (Herman DS et al. N. Engl. J. Med., 2012 Feb;366:619-28; Roberts AM et al. Sci Transl Med, 2015 Jan;7:270ra6). TTN truncating variants encoded in constitutive exons (PSI >90%) have been found to be significantly associated with DCM regardless of their position in titin (Schafer S et al. Nat. Genet., 2017 01;49:46-53). This variant is considered to be rare based on population cohorts in the Genome Aggregation Database (gnomAD). Based on the majority of available evidence to date, this variant is likely to be pathogenic.

Labcorp Genetics (formerly Invitae), Labcorp
Classification: Likely pathogenic for Dilated cardiomyopathy 1G; Autosomal recessive limb-girdle muscular dystrophy type 2J. Last evaluated: 2024-09-15. Review status: criteria provided, single submitter. Criteria: Invitae Variant Classification Sherloc (09022015). Collection method: clinical testing. Allele origin: germline.
Comment: This sequence change creates a premature translational stop signal (p.Trp33478*) in the TTN gene. While this is not anticipated to result in nonsense mediated decay, it is expected to create a truncated TTN protein. This variant is not present in population databases (gnomAD no frequency). This variant has not been reported in the literature in individuals affected with TTN-related conditions. This variant is located in the A band of TTN (PMID: 25589632). Truncating variants in this region are significantly overrepresented in patients affected with dilated cardiomyopathy (PMID: 25589632). Truncating variants in this region have also been reported in individuals affected with autosomal recessive centronuclear myopathy (PMID: 23975875). In summary, the currently available evidence indicates that the variant is pathogenic, but additional data are needed to prove that conclusively. Therefore, this variant has been classified as Likely Pathogenic.

Literature cited by the submitters: PubMed 25589632 (cited by Labcorp Genetics (formerly Invitae), Labcorp); PubMed 23975875 (cited by Labcorp Genetics (formerly Invitae), Labcorp).

NM_001267550.2(TTN):c.100433G>A (p.Trp33478Ter)

Genes: TTN (titin; minus strand), TTN-AS1 (TTN antisense RNA 1; plus strand). Cytogenetic location: 2q31.2.
Variant type: single nucleotide variant.
Coding change: c.100433G>A on transcript NM_001267550.2 (MANE Select); coding-DNA position 100433, G replaced by A.
Protein change: p.Trp33478Ter; replaces tryptophan 33478 with a stop codon.
Molecular consequence: nonsense.
Genome position (GRCh38, 1-based): chr2:178,536,314, C>T on the plus strand (G>A on the coding strand, the complement: TTN is on the minus strand). VCF-style: chr2-178536314-C-T. GRCh37 (hg19) VCF-style: chr2-179401041-C-T.
Other names: c.95510G>A, p.Trp31837Ter (NM_001256850.1); c.73238G>A, p.Trp24413Ter (NM_003319.4); c.92729G>A, p.Trp30910Ter (NM_133378.4); c.73613G>A, p.Trp24538Ter (NM_133432.3); c.73814G>A, p.Trp24605Ter (NM_133437.4); short protein forms W24413*, W24538*, W24605*, W30910*, W31837*, W33478*.
Identifiers: ClinVar variation 3758834 (VCV003758834.3).